The following is an entry in ClinVar:

ClinVar aggregate classification (germline): Uncertain significance (1 of 4 stars; one submission).

Allele frequency attached by ClinVar (database versions not stated): gnomAD exomes below 0.00001; TOPMed below 0.00001; gnomAD 0.00001.

Submission:

Labcorp Genetics (formerly Invitae), Labcorp
Classification: Uncertain significance. Last evaluated: 2023-03-22. Review status: criteria provided, single submitter. Criteria: Invitae Variant Classification Sherloc (09022015). Collection method: clinical testing. Allele origin: germline.
Comment: This sequence change falls in intron 9 of the CEP97 gene. It does not directly change the encoded amino acid sequence of the CEP97 protein. It affects a nucleotide within the consensus splice site. This variant is not present in population databases (gnomAD no frequency). This variant has not been reported in the literature in individuals affected with CEP97-related conditions. Variants that disrupt the consensus splice site are a relatively common cause of aberrant splicing (PMID: 17576681, 9536098). Algorithms developed to predict the effect of sequence changes on RNA splicing suggest that this variant may disrupt the consensus splice site. In summary, the available evidence is currently insufficient to determine the role of this variant in disease. Therefore, it has been classified as a Variant of Uncertain Significance.

Literature cited by the submitters: PubMed 17576681; PubMed 9536098.

NM_024548.4(CEP97):c.1817+5G>A

Gene: CEP97 (centrosomal protein 97; plus strand). Cytogenetic location: 3q12.3.
Variant type: single nucleotide variant.
Coding change: c.1817+5G>A on transcript NM_024548.4 (MANE Select); 5 bases into the intron after coding-DNA position 1817, G replaced by A.
Molecular consequence: intron variant.
Genome position (GRCh38, 1-based): chr3:101,758,428, G>A. VCF-style: chr3-101758428-G-A. GRCh37 (hg19) VCF-style: chr3-101477272-G-A.
Other names: c.1640+5G>A (NM_001303401.2); c.1715+5G>A (NM_001410784.1); c.1538+5G>A (NM_001410785.1).
Identifiers: ClinVar variation 3010708 (VCV003010708.3), dbSNP rs1367570648, ClinGen allele CA896212387.